The following is an entry in ClinVar:

ClinVar aggregate classification (germline): Pathogenic. Review status: reviewed by expert panel (3 of 4 stars). 9 submissions from 9 submitters: Pathogenic (1). 8 of the submissions do not count toward it. Last evaluated 2022-09-29.

Conditions:
Incidental Discovery. Identifiers: MedGen C1135954.
Very long chain acyl-CoA dehydrogenase deficiency (ACADVLD). Also called: VLCAD Deficiency; Very Long-Chain Acyl-Coenzyme A Dehydrogenase Deficiency. Identifiers: Orphanet 26793, MedGen C3887523, MONDO:0008723, OMIM 201475.

Allele frequency attached by ClinVar (database versions not stated): gnomAD exomes below 0.00001.
gnomAD v4.1: 2 of 1,610,838 alleles (0.00012%); highest among the groups gnomAD compares: Non-Finnish European, 0.00017%; no homozygotes.

Submissions (9):

ClinGen ACADVL Variant Curation Expert Panel, ClinGen
Classification: Pathogenic for Very long chain acyl-CoA dehydrogenase deficiency. Last evaluated: 2022-09-29. Review status: reviewed by expert panel. Criteria: clingen acadvl acmg specifications v1. Collection method: curation. Allele origin: germline. Inheritance: Autosomal recessive inheritance.
Comment: The NM_000018.4:c.1077+2T>C variant in ACADVL occurs within the canonical splice donor site (+/- 1,2) of intron 10. It is predicted to cause skipping of biologically-relevant-exon 10/20, resulting in a frameshift leading to nonsense mediated decay in a gene in which loss-of-function is an established disease mechanism (PVS1: PMIDs 9973285, 11590124). This variant has been detected in three homozygous siblings with very long chain acyl CoA dehydrogenase (VLCAD) deficiency, who inherited the variant from heterozygous parents (PMID:25338548)(PM3_Supporting, points=0.5). This variant is absent from gnomAD v2.1.1 (PM2_Supporting). Two patients with this variant displayed elevated C14:1 levels ≥ 1.0 μM and VLCAD enzyme activity <20% of control in proband fibroblast (PMID:25338548, 9973285), which is highly specific for VLCADD (PP4_Moderate). The ACADVL Variant Curation Expert Panel VCEP classified the variant as pathogenic based on PVS1,PM2_supporting,PM3_Supporting, PP4_Moderate.

Clinical Genetics Laboratory, Skane University Hospital Lund
Classification: Pathogenic for Incidental Discovery. Last evaluated: 2026-03-02. Review status: criteria provided, single submitter. Criteria: ACMG Guidelines, 2015. Collection method: clinical testing. Allele origin: germline. Not counted in ClinVar's aggregate classification.
Comment: Detected in a heterozygous state in compound with a variant of unknown significance (VUS): NM_000018.4(ACADVL):c.964G>A (p.Val322Met). Classified as pathogenic by the ClinGen ACADVL Variant Curation Expert Panel, ClinGen (Accession: SCV002576779.2).

Labcorp Genetics (formerly Invitae), Labcorp
Classification: Pathogenic for Very long chain acyl-CoA dehydrogenase deficiency. Last evaluated: 2024-11-25. Review status: criteria provided, single submitter. Criteria: Invitae Variant Classification Sherloc (09022015). Collection method: clinical testing. Allele origin: germline. Not counted in ClinVar's aggregate classification.
Comment: This sequence change affects a donor splice site in intron 10 of the ACADVL gene. It is expected to disrupt RNA splicing. Variants that disrupt the donor or acceptor splice site typically lead to a loss of protein function (PMID: 16199547), and loss-of-function variants in ACADVL are known to be pathogenic (PMID: 9973285, 11590124). This variant is not present in population databases (gnomAD no frequency). Disruption of this splice site has been observed in individual(s) with clinical features of very long chain acyl-CoA dehydrogenase (VLCAD) deficiency (PMID: 9973285, 25338548, 30194637). ClinVar contains an entry for this variant (Variation ID: 370279). Algorithms developed to predict the effect of sequence changes on RNA splicing suggest that this variant may disrupt the consensus splice site. For these reasons, this variant has been classified as Pathogenic.

Natera, Inc.
Classification: Pathogenic for Very long chain acyl-CoA dehydrogenase deficiency. Last evaluated: 2024-09-03. Review status: criteria provided, single submitter. Criteria: Natera Variant Classification Schema (03/2026). Collection method: clinical testing. Allele origin: germline. Not counted in ClinVar's aggregate classification.
Comment: The c.1077+2T>C variant in ACADVL is a canonical splice donor site variant predicted to affect pre-mRNA splicing, which may result in an abnormal transcript and altered protein product. This variant is expected to result in nonsense mediated decay, truncation, or a dysfunctional protein product. This variant is rare in the general population with a frequency below the threshold expected for the associated phenotype(s). This variant has been observed in one or more individuals affected with the associated recessive disease, as either homozygous or compound heterozygous with a second variant (PMID: 25338548, 33986768). Given the available evidence, this variant is classified as Pathogenic.

Baylor Genetics
Classification: Pathogenic for Very long chain acyl-CoA dehydrogenase deficiency. Last evaluated: 2023-08-25. Review status: criteria provided, single submitter. Criteria: ACMG Guidelines, 2015. Collection method: clinical testing. Allele origin: unknown. Not counted in ClinVar's aggregate classification.

Myriad Genetics, Inc.
Classification: Pathogenic for Very long chain acyl-CoA dehydrogenase deficiency. Last evaluated: 2021-11-17. Review status: criteria provided, single submitter. Criteria: Myriad Women's Health Autosomal Recessive and X-Linked Classification Criteria (2021). Collection method: clinical testing. Allele origin: unknown. Not counted in ClinVar's aggregate classification.
Comment: NM_000018.3(ACADVL):c.1077+2T>C is a canonical splice variant classified as pathogenic in the context of very-long-chain acyl-CoA dehydrogenase deficiency. c.1077+2T>C has been observed in cases with relevant disease (PMID: 9973285, 25338548). Functional assessments of this variant are available in the literature (PMID: 25338548). c.1077+2T>C has not been observed in population frequency databases. In summary, NM_000018.3(ACADVL):c.1077+2T>C is a canonical splice variant in a gene where loss of function is a known mechanism of disease, is predicted to disrupt protein function, and has been observed more frequently in cases with the relevant disease than in healthy populations. Please note: this variant was assessed in the context of healthy population screening.

Women's Health and Genetics/Laboratory Corporation of America, LabCorp
Classification: Pathogenic for Very long chain acyl-CoA dehydrogenase deficiency. Last evaluated: 2020-02-29. Review status: criteria provided, single submitter. Criteria: LabCorp Variant Classification Summary - May 2015. Collection method: clinical testing. Allele origin: germline. Not counted in ClinVar's aggregate classification.
Comment: Variant summary: ACADVL c.1077+2T>C is located in a canonical splice-site and is predicted to affect mRNA splicing resulting in a significantly altered protein due to either exon skipping, shortening, or inclusion of intronic material. Several computational tools predict a significant impact on normal splicing: Three predict the variant abolishes a 5' splicing donor site. One predict the variant weakens a 5' donor site. However, these predictions have yet to be confirmed by functional studies. The variant was absent in 249894 control chromosomes. c.1077+2T>C has been reported in the literature in individuals affected with Very Long Chain Acyl-CoA Dehydrogenase Deficiency with a characteristic acyl-carnitine profile (example, Andersen_1999, Scalais_2015). These data indicate that the variant is likely to be associated with disease. At least one publication reports experimental evidence evaluating an impact on protein function. The most pronounced variant effect results in 30%-50% of normal activity (Scalais_2015). This relatively high VLCAD activity in lymphocytes was attributed to oral riboflavin supplementation at the time of analysis. One clinical diagnostic laboratory has submitted clinical-significance assessments for this variant to ClinVar after 2014 without evidence for independent evaluation. One laboratory classified the variant as likely pathogenic. Based on the evidence outlined above, the variant was classified as pathogenic.

Wong Mito Lab, Molecular and Human Genetics, Baylor College of Medicine
Classification: Pathogenic for Very long chain acyl-CoA dehydrogenase deficiency. Last evaluated: 2019-11-01. Review status: criteria provided, single submitter. Criteria: ACMG Guidelines, 2015. Collection method: clinical testing. Allele origin: germline. Not counted in ClinVar's aggregate classification.
Comment: The NM_000018.3:c.1077+2T>C (NP_000009.1:p.?) [GRCH38: NC_000017.11:g.7222867T>C] variant in ACADVL gene is interpretated to be Pathogenic based on ACMG guidelines (PMID: 25741868). This variant has been reported in PMID: 9973285; 25338548. This variant meets the following evidence codes reported in the ACMG guidelines: PVS1, PS3

CeGaT Center for Human Genetics Tuebingen
Classification: Pathogenic. Last evaluated: 2018-08-01. Review status: criteria provided, single submitter. Criteria: CeGaT Center For Human Genetics Tuebingen Variant Classification Criteria Version 2. Collection method: clinical testing. Allele origin: germline. Affected: yes. Observed: 1 variant allele. Not counted in ClinVar's aggregate classification.

Literature cited by the submitters: PubMed 16199547 (cited by Labcorp Genetics (formerly Invitae), Labcorp); PubMed 9973285 (cited by 4 submitters); PubMed 11590124 (cited by Labcorp Genetics (formerly Invitae), Labcorp); PubMed 25338548 (cited by 5 submitters); PubMed 30194637 (cited by Labcorp Genetics (formerly Invitae), Labcorp); PubMed 33986768 (cited by Natera, Inc.).

NM_000018.4(ACADVL):c.1077+2T>C

Gene: ACADVL (acyl-CoA dehydrogenase very long chain; plus strand). Cytogenetic location: 17p13.1.
Variant type: single nucleotide variant.
Coding change: c.1077+2T>C on transcript NM_000018.4 (MANE Select); the canonical splice donor site of the intron after coding-DNA position 1077, T replaced by C.
Molecular consequence: splice donor variant.
Genome position (GRCh38, 1-based): chr17:7,222,867, T>C. VCF-style: chr17-7222867-T-C. GRCh37 (hg19) VCF-style: chr17-7126186-T-C.
Other names: c.1146+2T>C (NM_001270447.2); c.849+2T>C (NM_001270448.2); c.1011+2T>C (NM_001033859.3).
Identifiers: ClinVar variation 370279 (VCV000370279.62), dbSNP rs1057516370, ClinGen allele CA16041868.